The following is an entry in ClinVar:

ClinVar aggregate classification (germline): Uncertain significance (1 of 4 stars; one submission).

Conditions:
Hypertrophic cardiomyopathy 14. Identifiers: MedGen C2750467, MONDO:0013197, OMIM 613251.

Submission:

Labcorp Genetics (formerly Invitae), Labcorp
Classification: Uncertain significance for Hypertrophic cardiomyopathy 14. Last evaluated: 2025-01-29. Review status: criteria provided, single submitter. Criteria: Invitae Variant Classification Sherloc (09022015). Collection method: clinical testing. Allele origin: germline.
Comment: This sequence change falls in intron 38 of the MYH6 gene. It does not directly change the encoded amino acid sequence of the MYH6 protein. It affects a nucleotide within the consensus splice site. This variant is not present in population databases (gnomAD no frequency). This variant has not been reported in the literature in individuals affected with MYH6-related conditions. Variants that disrupt the consensus splice site are a relatively common cause of aberrant splicing (PMID: 17576681, 9536098). Algorithms developed to predict the effect of sequence changes on RNA splicing suggest that this variant may disrupt the consensus splice site. In summary, the available evidence is currently insufficient to determine the role of this variant in disease. Therefore, it has been classified as a Variant of Uncertain Significance.

Literature cited by the submitters: PubMed 17576681; PubMed 9536098.

NM_002471.4(MYH6):c.5796+3_5796+6del

Gene: MYH6 (myosin heavy chain 6; minus strand). Cytogenetic location: 14q11.2.
Variant type: Deletion.
Coding change: c.5796+3_5796+6del on transcript NM_002471.4 (MANE Select); bases 3 to 6 of the intron after coding-DNA position 5796, 4 bases deleted (GGGT; older notation c.5796+3_5796+6delGGGT).
Molecular consequence: splice donor variant.
Genome position (GRCh38, 1-based): chr14:23,382,422-23,382,425, ACCC deleted on the plus strand (GGGT on the coding strand, the reverse complement: MYH6 is on the minus strand); deleting any 4 consecutive bases within chr14:23,382,422-23,382,428 gives the same sequence; the c. name uses the placement nearest the transcript's 3' end. VCF-style (leftmost placement, unchanged base first): chr14-23382421-GACCC-G. GRCh37 (hg19) VCF-style: chr14-23851630-GACCC-G.
Identifiers: ClinVar variation 4711990 (VCV004711990.1).
Genomic context (GRCh38, chr14:23,382,421, plus strand): 5'-AAGGGCACCCATATCAGGGGGCATGCTAATGTGGAAGTGACTAGTGAAGCCCAGGGGAGG[GACCC>G]ACCTTGGCACCAATGTCACGGCTCTTGGCTCGAAGCTTGTTGACCTGGGACTCAGCGATG-3'